The following is an entry in ClinVar:

NM_000360.4(TH):c.91-54A>G

Gene: TH (tyrosine hydroxylase; minus strand). Cytogenetic location: 11p15.5.
Variant type: single nucleotide variant.
Coding change: c.91-54A>G on transcript NM_000360.4 (MANE Select); 54 bases into the intron before coding-DNA position 91, A replaced by G.
Molecular consequence: intron variant.
Genome position (GRCh38, 1-based): chr11:2,169,925, T>C on the plus strand (A>G on the coding strand, the complement: TH is on the minus strand). VCF-style: chr11-2169925-T-C. GRCh37 (hg19) VCF-style: chr11-2191155-T-C.
Other names: c.172-54A>G (NM_199293.3); c.184-54A>G (NM_199292.3).
Identifiers: ClinVar variation 1185444 (VCV001185444.8), dbSNP rs7925375, ClinGen allele CA13435652.

ClinVar aggregate classification (germline): Benign. Review status: criteria provided, multiple submitters, no conflicts (2 of 4 stars). 4 submissions from 4 submitters: Benign (4). Last evaluated 2024-07-31.

Conditions:
TH-deficient dopa-responsive dystonia. Also called: DYT-TH; Tyrosine Hydroxylase-Deficient Dopa-Responsive Dystonia; Segawa syndrome, autosomal recessive. Identifiers: Orphanet 101150, MedGen C2673535, MONDO:0011551, OMIM 605407.

Allele frequency attached by ClinVar (database versions not stated): TOPMed 0.68238; 1000 Genomes Project 30x 0.68770; gnomAD 0.68900 and 0.69448; 1000 Genomes Project 0.69708.
gnomAD v4.1: 1,172,271 of 1,547,838 alleles (76%); highest among the groups gnomAD compares: East Asian, 82%; 447,074 homozygotes.

Submissions (4):

Unidad de Genómica Garrahan, Hospital de Pediatría Garrahan
Classification: Benign. Last evaluated: 2024-07-31. Review status: criteria provided, single submitter. Criteria: ACMG Guidelines, 2015. Collection method: clinical testing. Allele origin: germline. Affected: no. Observed: 83 variant alleles.
Comment: This variant is classified as Benign based on local population frequency. This variant was detected in 89% of patients studied in a panel designed for Epileptic and Developmental Encephalopathy, Progressive Myoclonus Epilepsy and Abnormal Movements and Neurodegeneration with brain iron accumulation. Number of patients: 83. Only high quality variants are reported.

Genome-Nilou Lab
Classification: Benign for TH-deficient dopa-responsive dystonia. Last evaluated: 2021-07-14. Review status: criteria provided, single submitter. Criteria: ACMG Guidelines, 2015. Collection method: clinical testing. Allele origin: germline. Affected: no.

GeneDx
Classification: Benign. Last evaluated: 2015-03-03. Review status: criteria provided, single submitter. Criteria: GeneDx Variant Classification Process June 2021. Collection method: clinical testing. Allele origin: germline. Affected: yes.

Breakthrough Genomics
Classification: Benign. Review status: criteria provided, single submitter. Criteria: ACMG Guidelines, 2015. Collection method: not provided. Allele origin: germline. Inheritance: Autosomal recessive inheritance. Affected: yes.